The following is an entry in ClinVar:

NM_001025603.2(RFX5):c.1423G>A (p.Gly475Arg)

Gene: RFX5 (regulatory factor X5; minus strand). Cytogenetic location: 1q21.3.
Variant type: single nucleotide variant.
Coding change: c.1423G>A on transcript NM_001025603.2 (MANE Select); coding-DNA position 1423, G replaced by A.
Protein change: p.Gly475Arg; replaces glycine 475 with arginine.
Molecular consequence: missense variant.
Genome position (GRCh38, 1-based): chr1:151,342,614, C>T on the plus strand (G>A on the coding strand, the complement: RFX5 is on the minus strand). VCF-style: chr1-151342614-C-T. GRCh37 (hg19) VCF-style: chr1-151315090-C-T.
Other names: c.1423G>A, p.Gly475Arg (NM_000449.4, NM_001379412.1, NM_001379413.1 and 5 more transcripts); c.1303G>A, p.Gly435Arg (NM_001379419.1, NM_001379420.1); c.1423G>A (NM_000449.3); short protein forms G475R, G435R.
Identifiers: ClinVar variation 1494788 (VCV001494788.9), dbSNP rs1214801747, ClinGen allele CA341926514.
Genomic context (GRCh38, chr1:151,342,614, plus strand): 5'-ACTGGGCAGATTCCATGGCAGCTGCTGACTTGAGAGGGGTAGAATTCCTTTCCCCACTTC[C>T]ACCTGACTTTTTTCGAGGGCGCCCCCGTTTCCTTTTGGCATCACTTGCTGTATCCTCTAT-3'
Protein context (NP_001020774.1, residues 465-485): KRGRPRKKSG[Gly475Arg]SGERNSTPLK

ClinVar aggregate classification (germline): Uncertain significance. Review status: criteria provided, multiple submitters, no conflicts (2 of 4 stars). 2 submissions from 2 submitters: Uncertain significance (2). Last evaluated 2025-12-03.

Conditions:
MHC class II deficiency. Also called: Bare lymphocyte syndrome 2; BLS, TYPE II. Identifiers: Orphanet 572, MedGen C5447452, MONDO:0008855.

Allele frequency attached by ClinVar (database versions not stated): gnomAD exomes below 0.00001.

Submissions (2):

Ambry Genetics
Classification: Uncertain significance. Last evaluated: 2025-12-03. Review status: criteria provided, single submitter. Criteria: Ambry Variant Classification Scheme 2023. Collection method: clinical testing. Allele origin: germline.

Labcorp Genetics (formerly Invitae), Labcorp
Classification: Uncertain significance for MHC class II deficiency. Last evaluated: 2024-06-25. Review status: criteria provided, single submitter. Criteria: Invitae Variant Classification Sherloc (09022015). Collection method: clinical testing. Allele origin: germline.
Comment: This sequence change replaces glycine, which is neutral and non-polar, with arginine, which is basic and polar, at codon 475 of the RFX5 protein (p.Gly475Arg). This variant is present in population databases (no rsID available, gnomAD 0.007%). This variant has not been reported in the literature in individuals affected with RFX5-related conditions. ClinVar contains an entry for this variant (Variation ID: 1494788). An algorithm developed to predict the effect of missense changes on protein structure and function (PolyPhen-2) suggests that this variant is likely to be disruptive. In summary, the available evidence is currently insufficient to determine the role of this variant in disease. Therefore, it has been classified as a Variant of Uncertain Significance.